The following is an entry in ClinVar:

NM_000297.4(PKD2):c.1095-19T>A

Gene: PKD2 (polycystin 2, transient receptor potential cation channel; plus strand). Cytogenetic location: 4q22.1.
Variant type: single nucleotide variant.
Coding change: c.1095-19T>A on transcript NM_000297.4 (MANE Select); 19 bases into the intron before coding-DNA position 1095, T replaced by A.
Molecular consequence: intron variant.
Genome position (GRCh38, 1-based): chr4:88,043,214, T>A. VCF-style: chr4-88043214-T-A. GRCh37 (hg19) VCF-style: chr4-88964366-T-A.
Other names: c.1095-3428T>A (NM_001440544.1).
Identifiers: ClinVar variation 4728128 (VCV004728128.1).
Genomic context (GRCh38, chr4:88,043,214, plus strand): 5'-AGGAACCAGCTGTCCTTGTAATTGCCTCAAGTGTTCCACTGATTGTAACTGTTTGTTTTT[T>A]GGTTTTGTTTTTAATCAGTTGGATCTACACAAGTGAAAAAGACTTGAATGGTAGTAGCCA-3'

ClinVar aggregate classification (germline): Uncertain significance (1 of 4 stars; one submission).

Conditions:
Autosomal dominant polycystic kidney disease. Identifiers: Orphanet 730, MedGen C0085413, MONDO:0004691.

Submission:

Labcorp Genetics (formerly Invitae), Labcorp
Classification: Uncertain significance for Autosomal dominant polycystic kidney disease. Last evaluated: 2025-09-29. Review status: criteria provided, single submitter. Criteria: Invitae Variant Classification Sherloc (09022015). Collection method: clinical testing. Allele origin: germline.
Comment: This sequence change falls in intron 4 of the PKD2 gene. It does not directly change the encoded amino acid sequence of the PKD2 protein. This variant is not present in population databases (gnomAD no frequency). This variant has not been reported in the literature in individuals affected with PKD2-related conditions. Algorithms developed to predict the effect of sequence changes on RNA splicing suggest that this variant may disrupt the consensus splice site. In summary, the available evidence is currently insufficient to determine the role of this variant in disease. Therefore, it has been classified as a Variant of Uncertain Significance.